The following is an entry in ClinVar:

ClinVar aggregate classification (germline): Uncertain significance (1 of 4 stars; one submission).

Submission:

GeneDx
Classification: Uncertain significance. Last evaluated: 2023-10-18. Review status: criteria provided, single submitter. Criteria: GeneDx Variant Classification Process June 2021. Collection method: clinical testing. Allele origin: germline. Affected: yes.
Comment: Has not been previously published as pathogenic or benign to our knowledge; Not observed at significant frequency in large population cohorts (gnomAD); In silico analysis supports that this missense variant does not alter protein structure/function

NM_015267.4(CUX2):c.3711C>A (p.Asp1237Glu)

Gene: CUX2 (cut like homeobox 2; plus strand). Cytogenetic location: 12q24.12.
Variant type: single nucleotide variant.
Coding change: c.3711C>A on transcript NM_015267.4 (MANE Select); coding-DNA position 3711, C replaced by A.
Protein change: p.Asp1237Glu; replaces aspartic acid 1237 with glutamic acid.
Molecular consequence: missense variant.
Genome position (GRCh38, 1-based): chr12:111,347,575, C>A. VCF-style: chr12-111347575-C-A. GRCh37 (hg19) VCF-style: chr12-111785379-C-A.
Other names: c.3525C>A, p.Asp1175Glu (NM_001370598.1); short protein forms D1175E, D1237E.
Identifiers: ClinVar variation 3366242 (VCV003366242.1).